The following is an entry in ClinVar:

NM_031935.3(HMCN1):c.-4_-3del

Gene: HMCN1 (hemicentin 1; plus strand). Cytogenetic location: 1q25.3.
Variant type: Deletion.
Coding change: c.-4_-3del on transcript NM_031935.3 (MANE Select); 4 bases upstream of the start codon through 3 bases upstream of the start codon, 2 bases deleted (GA; older notation c.-4_-3delGA).
Molecular consequence: 5 prime UTR variant.
Genome position (GRCh38, 1-based): chr1:185,734,776-185,734,777, GA deleted; deleting any 2 consecutive bases within chr1:185,734,775-185,734,777 gives the same sequence; the c. name uses the placement nearest the transcript's 3' end. VCF-style (leftmost placement, unchanged base first): chr1-185734774-AAG-A. GRCh37 (hg19) VCF-style: chr1-185703906-AAG-A.
Identifiers: ClinVar variation 3049422 (VCV003049422.2), dbSNP rs1458945530, ClinGen allele CA728632410.

ClinVar aggregate classification (germline): Likely benign (0 of 4 stars; one submission).

Conditions:
HMCN1-related disorder. Also called: HMCN1-related condition.

Submission:

PreventionGenetics, part of Exact Sciences
Classification: Likely benign for HMCN1-related condition. Last evaluated: 2019-08-01. Review status: no assertion criteria provided. Collection method: clinical testing. Allele origin: germline.
Comment: This variant is classified as likely benign based on ACMG/AMP sequence variant interpretation guidelines (Richards et al. 2015 PMID: 25741868, with internal and published modifications).